The following is an entry in ClinVar:

ClinVar aggregate classification (germline): Pathogenic. Review status: criteria provided, multiple submitters, no conflicts (2 of 4 stars). 17 submissions from 17 submitters: Pathogenic (14). 3 of the submissions do not count toward it. Last evaluated 2026-06-29.

Conditions:
NPHS1-related disorder. Also called: NPHS1-related condition.
Finnish congenital nephrotic syndrome (NPHS1). Also called: NEPHROTIC SYNDROME, TYPE 1. Identifiers: Orphanet 839, MedGen C0403399, MONDO:0009732, OMIM 256300.

Allele frequency attached by ClinVar (database versions not stated): ExAC 0.00006; gnomAD 0.00008 and 0.00009; gnomAD exomes 0.00009 and 0.00027; TOPMed 0.00009; ESP Exome Variant Server 0.00046.
gnomAD v4.1: 429 of 1,613,916 alleles (0.027%); highest among the groups gnomAD compares: Non-Finnish European, 0.033%; no homozygotes.

Submissions (17):

Victorian Clinical Genetics Services, Murdoch Childrens Research Institute
Classification: Pathogenic for Finnish congenital nephrotic syndrome. Last evaluated: 2026-06-29. Review status: criteria provided, single submitter. Criteria: ACMG Guidelines, 2015. Collection method: clinical testing. Allele origin: germline. Affected: no.
Comment: This variant is classified as Pathogenic. Evidence in support of pathogenic classification: Canonical splice site variant without proven consequence on splicing (no functional evidence available); Variant is present in gnomAD <0.01 for a recessive condition (v2 & v3: 35 heterozygotes, 0 homozygotes); This variant has very strong previous evidence of pathogenicity in unrelated individuals. It has been classified as pathogenic by multiple diagnostic laboratories in ClinVar and reported in individuals with congenital nephrotic syndrome (PMID: 33089377); Abnormal splicing is predicted by in silico tools and affected nucleotide is highly conserved. Additional information: This variant is heterozygous; This gene is associated with autosomal recessive disease; Loss of function is a known mechanism of disease in this gene and is associated with nephrotic syndrome, type 1 (MIM#256300).

Natera, Inc.
Classification: Pathogenic for Finnish congenital nephrotic syndrome. Last evaluated: 2025-12-11. Review status: criteria provided, single submitter. Criteria: Natera Variant Classification Schema (03/2026). Collection method: clinical testing. Allele origin: germline.
Comment: The c.2335-1G>A variant in NPHS1 is a canonical splice acceptor site variant predicted to affect pre-mRNA splicing, which may result in an abnormal transcript and altered protein product. This variant is expected to result in nonsense mediated decay, truncation, or a dysfunctional protein product. This variant is rare in the general population with a frequency below the threshold expected for the associated phenotype(s). This variant has been observed in one or more individuals affected with the associated recessive disease, as either homozygous or compound heterozygous with a second variant (PMID: 11854170). Given the available evidence, this variant is classified as Pathogenic.

Labcorp Genetics (formerly Invitae), Labcorp
Classification: Pathogenic. Last evaluated: 2025-12-07. Review status: criteria provided, single submitter. Criteria: Invitae Variant Classification Sherloc (09022015). Collection method: clinical testing. Allele origin: germline.
Comment: This sequence change affects an acceptor splice site in intron 17 of the NPHS1 gene. It is expected to disrupt RNA splicing. Variants that disrupt the donor or acceptor splice site typically lead to a loss of protein function (PMID: 16199547), and loss-of-function variants in NPHS1 are known to be pathogenic (PMID: 11317351, 11854170, 12039988). This variant is present in population databases (rs150038620, gnomAD 0.02%). Disruption of this splice site has been observed in individuals with congenital nephrotic syndrome (PMID: 9915943, 11854170, 24902943, 28117080). ClinVar contains an entry for this variant (Variation ID: 188734). Algorithms developed to predict the effect of sequence changes on RNA splicing suggest that this variant may disrupt the consensus splice site. For these reasons, this variant has been classified as Pathogenic.

Dasa
Classification: Pathogenic. Last evaluated: 2025-12-01. Review status: criteria provided, single submitter. Criteria: DASA Assertion Criteria. Collection method: clinical testing. Allele origin: germline.
Comment: NM_004646.4(NPHS1):c.2335-1G>A affects a canonical splice site and is predicted to disrupt normal RNA splicing, leading to loss of normal protein function. Loss-of-function is an established mechanism of disease for this gene. This variant has been recurrently observed in affected individuals with related phenotype in a genotype context consistent with recessive disease (PMID: 24902943; PMID: 11854170). The variant is present at low frequency in population datasets. Based on the available data, this variant is classified as pathogenic.

GeneDx
Classification: Pathogenic. Last evaluated: 2025-07-03. Review status: criteria provided, single submitter. Criteria: GeneDx Variant Classification Process June 2021. Collection method: clinical testing. Allele origin: germline. Affected: yes.
Comment: Canonical splice site variant predicted to result in a null allele in a gene for which loss of function is a known mechanism of disease; This variant is associated with the following publications: (PMID: 25533962, 31980526, 29676031, 30804562, 11317351, 24902943, 23949594, 9915943, 28117080, 20507940, 31308072, 30586318, 34758253, 32939031, 11854170)

CeGaT Center for Human Genetics Tuebingen
Classification: Pathogenic. Last evaluated: 2024-12-01. Review status: criteria provided, single submitter. Criteria: CeGaT Center For Human Genetics Tuebingen Variant Classification Criteria Version 2. Collection method: clinical testing. Allele origin: germline. Affected: yes. Observed: 3 variant alleles.
Comment: NPHS1: PVS1, PM2, PM3

Blueprint Genetics
Classification: Pathogenic for NPHS1-related disorders. Last evaluated: 2024-11-04. Review status: criteria provided, single submitter. Criteria: ACMG Guidelines, 2015. Collection method: clinical testing. Allele origin: germline. Affected: yes. Observed: 5 variant alleles.

Myriad Genetics, Inc.
Classification: Pathogenic for Finnish congenital nephrotic syndrome. Last evaluated: 2021-10-19. Review status: criteria provided, single submitter. Criteria: Myriad Women's Health Autosomal Recessive and X-Linked Classification Criteria (2021). Collection method: clinical testing. Allele origin: unknown.
Comment: NM_004646.3(NPHS1):c.2335-1G>A is a canonical splice variant classified as pathogenic in the context of nephrotic syndrome, NPHS1-related. c.2335-1G>A has been observed in cases with relevant disease (PMID: 11854170, 20507940, 23949594, 28117080). Functional assessments of this variant are not available in the literature. c.2335-1G>A has been observed in population frequency databases (gnomAD: NFE 0.02%). In summary, NM_004646.3(NPHS1):c.2335-1G>A is a canonical splice variant in a gene where loss of function is a known mechanism of disease, is predicted to disrupt protein function, and has been observed more frequently in cases with the relevant disease than in healthy populations. Please note: this variant was assessed in the context of healthy population screening.

Vasylyeva lab, Texas Tech University Health Sciences Center
Classification: Pathogenic for Finnish congenital nephrotic syndrome. Last evaluated: 2021-10-19. Review status: criteria provided, single submitter. Criteria: ACMG Guidelines, 2015. Collection method: clinical testing. Allele origin: unknown. Affected: yes.

Fulgent Genetics
Classification: Pathogenic for Finnish congenital nephrotic syndrome. Last evaluated: 2021-06-30. Review status: criteria provided, single submitter. Criteria: ACMG Guidelines, 2015. Collection method: clinical testing. Allele origin: unknown.
Comment: This variant has been detected in individual(s) who were sent for testing of Renasight - kidney gene panel.

Greenwood Genetic Center Diagnostic Laboratories, Greenwood Genetic Center
Classification: Pathogenic. Last evaluated: 2021-03-17. Review status: criteria provided, single submitter. Criteria: ACMG Guidelines, 2015. Collection method: clinical testing. Allele origin: germline. Affected: yes.
Comment: PVS1, PM2, PM3

Revvity Omics, Revvity
Classification: Pathogenic for Finnish congenital nephrotic syndrome. Last evaluated: 2020-12-10. Review status: criteria provided, single submitter. Criteria: ACMG Guidelines, 2015. Collection method: clinical testing. Allele origin: germline.

Athena Diagnostics
Classification: Pathogenic. Last evaluated: 2020-12-01. Review status: criteria provided, single submitter. Criteria: Athena Diagnostics criteria. Collection method: clinical testing. Allele origin: unknown.
Comment: This variant is expected to severely impact normal RNA splicing, and consequently, protein structure and/or function. The frequency of this variant in the general population is consistent with pathogenicity. This variant has been identified in at least one individual with clinical features associated with this gene. In multiple individuals, this variant has been seen with a single recessive pathogenic variant in the same gene, suggesting this variant may also be pathogenic.

Women's Health and Genetics/Laboratory Corporation of America, LabCorp
Classification: Pathogenic for Finnish congenital nephrotic syndrome. Last evaluated: 2017-06-05. Review status: criteria provided, single submitter. Criteria: LabCorp Variant Classification Summary - May 2015. Collection method: clinical testing. Allele origin: germline.
Comment: Variant summary: The NPHS1 c.2335-1G>A variant involves the alteration of a conserved intronic nucleotide and 4/5 splice prediction tools predict a significant impact on normal splicing and ESE finder predicts alterations to ESE binding sites. However, these predictions have yet to be confirmed by functional studies. This variant was found in 7/121044 control chromosomes at a frequency of 0.0000578, which does not exceed the estimated maximal expected allele frequency of a pathogenic NPHS1 variant (0.0033541). Multiple publications have cited the variant in homozygous and compound heterozygous affected individuals. In addition, multiple clinical diagnostic laboratories/reputable databases classified this variant as likely pathogenic. Taken together, this variant is classified as pathogenic.

Gharavi Laboratory, Columbia University
Classification: Pathogenic. Last evaluated: 2018-09-16. Review status: no assertion criteria provided. Criteria: ACMG Guidelines, 2015. Collection method: research. Allele origin: germline. Affected: yes. Not counted in ClinVar's aggregate classification.

Division of Human Genetics, Children's Hospital of Philadelphia
Classification: Pathogenic for Finnish congenital nephrotic syndrome. Last evaluated: 2016-06-23. Review status: no assertion criteria provided. Collection method: research. Allele origin: germline. Study: CSER-PediSeq. Not counted in ClinVar's aggregate classification.

Genomics England Pilot Project, Genomics England
Classification: Pathogenic for Finnish congenital nephrotic syndrome. Review status: no assertion criteria provided. Criteria: ACGS Guidelines, 2016. Collection method: clinical testing. Allele origin: germline. Affected: yes. Not counted in ClinVar's aggregate classification.

Literature cited by the submitters: PubMed 33089377 (cited by Victorian Clinical Genetics Services, Murdoch Childrens Research Institute); PubMed 11854170 (cited by 7 submitters); PubMed 16199547 (cited by Labcorp Genetics (formerly Invitae), Labcorp); PubMed 11317351 (cited by Labcorp Genetics (formerly Invitae), Labcorp); PubMed 12039988 (cited by Labcorp Genetics (formerly Invitae), Labcorp); PubMed 9915943 (cited by Labcorp Genetics (formerly Invitae), Labcorp and Athena Diagnostics); PubMed 24902943 (cited by 3 submitters); PubMed 28117080 (cited by 4 submitters); PubMed 23949594 (cited by 5 submitters); PubMed 20507940 (cited by 4 submitters); PubMed 29676031 (cited by Athena Diagnostics).

NM_004646.4(NPHS1):c.2335-1G>A

Gene: NPHS1 (NPHS1 adhesion molecule, nephrin; minus strand). Cytogenetic location: 19q13.12.
Variant type: single nucleotide variant.
Coding change: c.2335-1G>A on transcript NM_004646.4 (MANE Select); the canonical splice acceptor site of the intron before coding-DNA position 2335, G replaced by A.
Molecular consequence: splice acceptor variant.
Genome position (GRCh38, 1-based): chr19:35,842,551, C>T on the plus strand (G>A on the coding strand, the complement: NPHS1 is on the minus strand). VCF-style: chr19-35842551-C-T. GRCh37 (hg19) VCF-style: chr19-36333453-C-T.
Identifiers: ClinVar variation 188734 (VCV000188734.88), dbSNP rs150038620, ClinGen allele CA250309.